The following is an entry in ClinVar:

ClinVar aggregate classification (germline): Uncertain significance. Review status: criteria provided, multiple submitters, no conflicts (2 of 4 stars). 5 submissions from 5 submitters: Uncertain significance (5). Last evaluated 2023-10-01.

Conditions:
Retinitis pigmentosa (RP). Identifiers: Orphanet 791, MedGen C0035334, MeSH D012174, MONDO:0019200, OMIM 268000. Inheritance: Autosomal dominant, autosomal recessive and X linked inheritance.
Retinal dystrophy. Also called: Inherited retinal dystrophy. Identifiers: Orphanet 71862, MedGen C0854723, MeSH D058499, MONDO:0019118, HP:0000556.
Inborn genetic diseases. Identifiers: MedGen C0950123, MeSH D030342.

Allele frequency attached by ClinVar (database versions not stated): gnomAD exomes 0.00002; gnomAD 0.00003; ExAC 0.00004; 1000 Genomes Project 30x 0.00016; 1000 Genomes Project 0.00020.
gnomAD v4.1: 23 of 1,470,904 alleles (0.0016%); highest among the groups gnomAD compares: East Asian, 0.043%; no homozygotes.

Submissions (5):

Dept Of Ophthalmology, Nagoya University
Classification: Uncertain significance for Retinal dystrophy. Last evaluated: 2023-10-01. Review status: criteria provided, single submitter. Criteria: Submitter's publication. Collection method: research. Allele origin: germline. Affected: yes.

Ambry Genetics
Classification: Uncertain significance for Inborn genetic diseases. Last evaluated: 2022-11-08. Review status: criteria provided, single submitter. Criteria: Ambry Variant Classification Scheme 2023. Collection method: clinical testing. Allele origin: germline.

Labcorp Genetics (formerly Invitae), Labcorp
Classification: Uncertain significance. Last evaluated: 2022-03-29. Review status: criteria provided, single submitter. Criteria: Invitae Variant Classification Sherloc (09022015). Collection method: clinical testing. Allele origin: germline.
Comment: Algorithms developed to predict the effect of missense changes on protein structure and function are either unavailable or do not agree on the potential impact of this missense change (SIFT: "Deleterious"; PolyPhen-2: "Probably Damaging"; Align-GVGD: "Class C0"). ClinVar contains an entry for this variant (Variation ID: 894719). This variant has not been reported in the literature in individuals affected with MERTK-related conditions. This variant is present in population databases (rs200794038, gnomAD 0.03%). This sequence change replaces leucine, which is neutral and non-polar, with serine, which is neutral and polar, at codon 564 of the MERTK protein (p.Leu564Ser). In summary, the available evidence is currently insufficient to determine the role of this variant in disease. Therefore, it has been classified as a Variant of Uncertain Significance.

Blueprint Genetics
Classification: Uncertain significance. Last evaluated: 2020-10-06. Review status: criteria provided, single submitter. Criteria: ACMG Guidelines, 2015. Collection method: clinical testing. Allele origin: germline.

Illumina Laboratory Services, Illumina
Classification: Uncertain significance for Retinitis pigmentosa. Last evaluated: 2018-01-13. Review status: criteria provided, single submitter. Criteria: ICSL Variant Classification Criteria 13 December 2019. Collection method: clinical testing. Allele origin: germline.

NM_006343.3(MERTK):c.1691T>C (p.Leu564Ser)

Gene: MERTK (MER proto-oncogene, tyrosine kinase; plus strand). Cytogenetic location: 2q13.
Variant type: single nucleotide variant.
Coding change: c.1691T>C on transcript NM_006343.3 (MANE Select); coding-DNA position 1691, T replaced by C.
Protein change: p.Leu564Ser; replaces leucine 564 with serine.
Molecular consequence: missense variant.
Genome position (GRCh38, 1-based): chr2:112,003,092, T>C. VCF-style: chr2-112003092-T-C. GRCh37 (hg19) VCF-style: chr2-112760669-T-C.
Other names: short protein forms L564S.
Identifiers: ClinVar variation 894719 (VCV000894719.11), dbSNP rs200794038, ClinGen allele CA1831523.